The following is an entry in ClinVar:

ClinVar aggregate classification (somatic clinical impact): Tier I - Strong (1 of 4 stars; one submission).

Conditions:
Embryonal rhabdomyosarcoma (ERMS). Also called: Botryoid rhabdomyosarcoma (type of ERMS); Spindle cell rhabdomyosarcomas (type of ERMS). Identifiers: Orphanet 99757, MedGen C0206656, MONDO:0009993, HP:0006743.

Submission:

Institute for Genomic Medicine (IGM) Clinical Laboratory, Nationwide Children's Hospital
Classification: Tier I - Strong for Embryonal rhabdomyosarcoma. Assertion type: diagnostic. Clinical significance: supports diagnosis. Last evaluated: 2024-01-29. Review status: criteria provided, single submitter. Criteria: AMP/ASCO/CAP Guidelines, 2017. Collection method: clinical testing. Allele origin: somatic. Affected: yes.
Comment: Variant has Tier I (strong) clinical significance as a diagnostic inclusion criterion in embryonal rhabdomyosarcoma, based on the following evidence: 1) Documented in one or more cancer databases (e.g., St. Jude Pecan, COSMIC, CIViC, OncoKB). 2) Appears in one or more well-established professional guidelines (e.g., World Health Organization [WHO]; National Comprehensive Cancer Network [NCCN]) as providing diagnostic, prognostic, or therapeutic information. 3) Diagnostic for a specific tumor type/classification based on well-powered studies with expert-level consensus (Evidence Level B; PMIDs: 24436047, 34166060, 24332040, 26138366, 25768946).

Literature cited by the submitters: PubMed 24436047; PubMed 34166060; PubMed 24332040; PubMed 26138366; PubMed 25768946.

NM_006218.4(PIK3CA):c.337_339del (p.Leu113del)

Gene: PIK3CA (phosphatidylinositol-4,5-bisphosphate 3-kinase catalytic subunit alpha; plus strand). Cytogenetic location: 3q26.32.
Variant type: Deletion.
Coding change: c.337_339del on transcript NM_006218.4 (MANE Select); coding-DNA positions 337 to 339, 3 bases deleted (CTC; older notation c.337_339delCTC).
Protein change: p.Leu113del; deletes leucine 113.
Genome position (GRCh38, 1-based): chr3:179,199,162-179,199,164, CTC deleted; deleting any 3 consecutive bases within chr3:179,199,160-179,199,164 gives the same sequence; the c. name uses the placement nearest the transcript's 3' end. VCF-style (leftmost placement, unchanged base first): chr3-179199159-ATCC-A. GRCh37 (hg19) VCF-style: chr3-178916947-ATCC-A.
Other names: short protein forms L113del.
Identifiers: ClinVar variation 4530367 (VCV004530367.1).